The following is an entry in ClinVar:

ClinVar aggregate classification (germline): Uncertain significance (1 of 4 stars; one submission).

Conditions:
Multiple congenital anomalies-hypotonia-seizures syndrome 2 (MCAHS2). Also called: EPILEPTIC ENCEPHALOPATHY, EARLY INFANTILE, 20; GLYCOSYLPHOSPHATIDYLINOSITOL BIOSYNTHESIS DEFECT 4. Identifiers: Orphanet 300496, MedGen C3275508, MONDO:0010466, OMIM 300868.

Submission:

Labcorp Genetics (formerly Invitae), Labcorp
Classification: Uncertain significance for Multiple congenital anomalies-hypotonia-seizures syndrome 2. Last evaluated: 2024-06-05. Review status: criteria provided, single submitter. Criteria: Invitae Variant Classification Sherloc (09022015). Collection method: clinical testing. Allele origin: germline.
Comment: This sequence change replaces tyrosine, which is neutral and polar, with cysteine, which is neutral and slightly polar, at codon 186 of the PIGA protein (p.Tyr186Cys). This variant is not present in population databases (gnomAD no frequency). This variant has not been reported in the literature in individuals affected with PIGA-related conditions. Advanced modeling of protein sequence and biophysical properties (such as structural, functional, and spatial information, amino acid conservation, physicochemical variation, residue mobility, and thermodynamic stability) has been performed at Invitae for this missense variant, however the output from this modeling did not meet the statistical confidence thresholds required to predict the impact of this variant on PIGA protein function. In summary, the available evidence is currently insufficient to determine the role of this variant in disease. Therefore, it has been classified as a Variant of Uncertain Significance.

NM_002641.4(PIGA):c.557A>G (p.Tyr186Cys)

Gene: PIGA (phosphatidylinositol glycan anchor biosynthesis class A; minus strand). Cytogenetic location: Xp22.2.
Variant type: single nucleotide variant.
Coding change: c.557A>G on transcript NM_002641.4 (MANE Select); coding-DNA position 557, A replaced by G.
Protein change: p.Tyr186Cys; replaces tyrosine 186 with cysteine.
Molecular consequence: missense variant. On other transcripts: intron variant (1).
Genome position (GRCh38, 1-based): chrX:15,331,374, T>C on the plus strand (A>G on the coding strand, the complement: PIGA is on the minus strand). VCF-style: chrX-15331374-T-C. GRCh37 (hg19) VCF-style: chrX-15349496-T-C.
Other names: c.13+4127A>G (NM_020473.3); short protein forms Y186C.
Identifiers: ClinVar variation 3655696 (VCV003655696.2).